The following is an entry in ClinVar:

ClinVar aggregate classification (germline): Uncertain significance. Review status: criteria provided, multiple submitters, no conflicts (2 of 4 stars). 4 submissions from 4 submitters: Uncertain significance (4). Last evaluated 2025-08-23.

Conditions:
Inborn genetic diseases. Identifiers: MedGen C0950123, MeSH D030342.
Peters plus syndrome. Also called: KRAUSE-KIVLIN SYNDROME. Identifiers: Orphanet 709, MedGen C0796012, MONDO:0009856, OMIM 261540.

Allele frequency attached by ClinVar (database versions not stated): ESP Exome Variant Server 0.00015; 1000 Genomes Project 30x 0.00016; gnomAD 0.00019 and 0.00021; 1000 Genomes Project 0.00020; TOPMed 0.00028.
gnomAD v4.1: 158 of 1,608,628 alleles (0.0098%); highest among the groups gnomAD compares: African/African-American, 0.069%; no homozygotes.

Submissions (4):

Ambry Genetics
Classification: Uncertain significance for Inborn genetic diseases. Last evaluated: 2025-08-23. Review status: criteria provided, single submitter. Criteria: Ambry Variant Classification Scheme 2023. Collection method: clinical testing. Allele origin: germline.

Labcorp Genetics (formerly Invitae), Labcorp
Classification: Uncertain significance for Peters plus syndrome. Last evaluated: 2022-06-28. Review status: criteria provided, single submitter. Criteria: Invitae Variant Classification Sherloc (09022015). Collection method: clinical testing. Allele origin: germline.
Comment: Algorithms developed to predict the effect of missense changes on protein structure and function (SIFT, PolyPhen-2, Align-GVGD) all suggest that this variant is likely to be tolerated. ClinVar contains an entry for this variant (Variation ID: 497890). This variant has not been reported in the literature in individuals affected with B3GLCT-related conditions. This variant is present in population databases (rs375667011, gnomAD 0.06%). This sequence change replaces valine, which is neutral and non-polar, with isoleucine, which is neutral and non-polar, at codon 61 of the B3GLCT protein (p.Val61Ile). In summary, the available evidence is currently insufficient to determine the role of this variant in disease. Therefore, it has been classified as a Variant of Uncertain Significance.

Illumina Laboratory Services, Illumina
Classification: Uncertain significance for Peters plus syndrome. Last evaluated: 2018-01-13. Review status: criteria provided, single submitter. Criteria: ICSL Variant Classification Criteria 13 December 2019. Collection method: clinical testing. Allele origin: germline.

Eurofins Ntd Llc (ga)
Classification: Uncertain significance. Last evaluated: 2016-11-01. Review status: criteria provided, single submitter. Criteria: EGL Classification Definitions 2015. Collection method: clinical testing. Allele origin: germline. Observed: 1 variant allele, 1 heterozygote.

NM_194318.4(B3GLCT):c.181G>A (p.Val61Ile)

Gene: B3GLCT (beta 3-glucosyltransferase; plus strand). Cytogenetic location: 13q12.3.
Variant type: single nucleotide variant.
Coding change: c.181G>A on transcript NM_194318.4 (MANE Select); coding-DNA position 181, G replaced by A.
Protein change: p.Val61Ile; replaces valine 61 with isoleucine.
Molecular consequence: missense variant.
Genome position (GRCh38, 1-based): chr13:31,229,205, G>A. VCF-style: chr13-31229205-G-A. GRCh37 (hg19) VCF-style: chr13-31803342-G-A.
Other names: short protein forms V61I.
Identifiers: ClinVar variation 497890 (VCV000497890.14), dbSNP rs375667011, ClinGen allele CA6936499.